The following continues an entry in ClinVar:

NM_007294.4(BRCA1):c.5005G>T (p.Ala1669Ser)

Gene: BRCA1. ClinVar aggregate classification (germline): Conflicting classifications of pathogenicity. Uncertain significance (3); Benign (3); Likely benign (13).

Submissions 17 to 28 of 28:

Women's Health and Genetics/Laboratory Corporation of America, LabCorp
Classification: Benign. Last evaluated: 2016-03-23. Review status: criteria provided, single submitter. Criteria: LabCorp Variant Classification Summary - May 2015. Collection method: clinical testing. Allele origin: germline.
Comment: Variant Summary: The variant of interest causes a missense change involving a conserved nucleotide with 3/4 in silico programs (SNPs&Go effect not captured here due to low reliability index) predict a "deleterious" outcome. The variant of interest was observed in the large, broad control population, ExAC, with an allele frequency 6/121254 (1/20210), which does not exceed the predicted maximum expected allele frequency for a pathogenic BRCA1 variant of 1/1000. The variant of interest has been reported in affected individuals via publications including a co-occurrence with another pathogenic BRCA1 variant 2080delA (Judkins_2005) and a lack of co-segregation with disease (Vallon-Christersson_2001). Multiple functional studies showed the variant of interest to act comparable to wild type. In addition, multiple reputable databases/clinical laboratories cite the variant with a classification of "likely benign/benign." Therefore, taking all available lines of evidence into consideration, the variant of interest is classified as Benign.

Centre for Mendelian Genomics, University Medical Centre Ljubljana
Classification: Likely benign for Familial cancer of breast. Last evaluated: 2016-01-01. Review status: criteria provided, single submitter. Criteria: ACMG Guidelines, 2015. Collection method: clinical testing. Allele origin: unknown. Affected: yes.
Comment: This variant was classified as: Likely benign. The following ACMG criteria were applied in classifying this variant: PM1,PP3,BP6,BS1.

Centre for Mendelian Genomics, University Medical Centre Ljubljana
Classification: Uncertain significance for Breast carcinoma. Last evaluated: 2015-11-13. Review status: criteria provided, single submitter. Criteria: ACMG Guidelines, 2015. Collection method: clinical testing. Allele origin: unknown. Affected: yes.

BRCAlab, Lund University
Classification: Likely benign for Breast-ovarian cancer, familial, susceptibility to, 1. Last evaluated: 2020-03-02. Review status: no assertion criteria provided. Collection method: clinical testing. Allele origin: germline. Affected: yes. Not counted in ClinVar's aggregate classification.

Counsyl
Classification: Likely benign for Breast-ovarian cancer, familial 1. Last evaluated: 2014-09-26. Review status: no assertion criteria provided. Collection method: literature only. Allele origin: unknown. Inheritance: Autosomal dominant inheritance. Not counted in ClinVar's aggregate classification.

CSER _CC_NCGL, University of Washington
Classification: Likely benign for Breast and/or ovarian cancer. Last evaluated: 2014-06-01. Review status: no assertion criteria provided. Collection method: research. Allele origin: germline. Inheritance: Autosomal dominant inheritance. Study: ESP 6500 variant annotation. Not counted in ClinVar's aggregate classification.
Comment: Variants classified for the Actionable exomic incidental findings in 6503 participants: challenges of variant classification manuscript

Biesecker Lab/Clinical Genomics Section, National Institutes of Health
Classification: Uncertain significance. Last evaluated: 2012-07-13. Review status: no assertion criteria provided. Collection method: research. Allele origin: germline. Affected: no. Observed: 1 variant allele. Study: ClinSeq. Not counted in ClinVar's aggregate classification.
ClinVar note: Converted during submission from variant of unknown significance to Uncertain significance.

Breast Cancer Information Core (BIC) (BRCA1)
Classification: Uncertain significance for Breast-ovarian cancer, familial 1. Last evaluated: 2002-05-29. Review status: no assertion criteria provided. Collection method: clinical testing. Allele origin: germline. Affected: yes. Observed: 11 variant alleles. Not counted in ClinVar's aggregate classification.

Brotman Baty Institute, University of Washington
No classification provided (evidence only). Condition: Breast-ovarian cancer, familial 1. Review status: no classification provided. Collection method: in vitro. Allele origin: not applicable. Functional consequence: functionally_normal. Not counted in ClinVar's aggregate classification.
ClinVar note: "not provided" was previously submitted as the classification for the variant. However, the classification appeared to be based only on an observation of functional data so it was converted to no classification on 2025-07-30.

Department of Pathology and Laboratory Medicine, Sinai Health System
Classification: Likely benign for Malignant tumor of breast. Review status: no assertion criteria provided. Collection method: clinical testing. Allele origin: unknown. Affected: yes. Observed: 1 variant allele. Study: The Canadian Open Genetics Repository (COGR). Not counted in ClinVar's aggregate classification.
Comment: The BRCA1 p.Ala1669Ser variant was identified in 1 of 208 proband chromosomes (frequency: 0.005) from individuals or families with breast and ovarian cancer (Stegel 2011).The variant was also identified in dbSNP (ID: rs80357087) â€šÃ„ÃºWith Uncertain significance alleleâ€šÃ„Ã¹, NHLBI Exome Sequencing Project (Exome Variant Server), Exome Aggregation Consortium (ExAC) database, LOVD, the ClinVar database (classified as a uncertain significance variant by the BIC, Biesecker Laboratory; classified as likely benign by Ambry Genetics, CSER_CC_NCGL, GeneDX, Counsyl), the BIC database (11X with unknown clinical importance), and UMD (1X as a UV variant).This variant was identified in the Exome Variant Server project in 1 of 8600 European American alleles, the Exome Aggregation Consortium (ExAC) database (released Jan 13, 2015) in 6 of 77032 chromosomes (6 individuals) from a population of European (Non-Finnish /African individuals, although this low number of observations and low frequency is not substantive enough to determine the prevalence of the variant in the general population and its relationship to disease. The p.Ala1669 residue is conserved in mammals and computational analyses (PolyPhen-2, SIFT, AlignGVGD, BLOSUM, MutationTaster) provide inconsistent predictions regarding the impact to the protein; this information is not very predictive of pathogenicity. The variant occurs outside of the splicing consensus sequence and 1 of 5 in silico or computational prediction software programs (SpliceSiteFinder, MaxEntScan, NNSPLICE, GeneSplicer, HumanSpliceFinder) predict a greater than 10% difference in splicing; this is not very predictive of pathogenicity. Comprehensive analysis study by Lee (2010) identified the variant score no protein folding defect, normal peptide binding activity and specificity, and normal transcriptional activity. The study by Rowling (2010) used biophysical approach to classify the variant and suggested the variant does not have destabilizing effect. Furthermore, conservation analysis by Abkevich (2004) classified the variant as likely to be neutral or of little clinical significance. In addition, this variant was identified in trans with known deleterious mutations (2080delA) (Judkins 2005), increasing the likelihood this variant does not have clinical significance. In summary, based on the above information, the clinical significance of this variant cannot be determined with certainty at this time although we would lean towards a more benign role for this variant. This variant is classified as predicted benign.

Genome Diagnostics Laboratory, University Medical Center Utrecht
Classification: Likely benign. Review status: no assertion criteria provided. Collection method: clinical testing. Allele origin: germline. Affected: yes. Study: VKGL Data-share Consensus. Not counted in ClinVar's aggregate classification.

Joint Genome Diagnostic Labs from Nijmegen and Maastricht, Radboudumc and MUMC+
Classification: Likely benign. Review status: no assertion criteria provided. Collection method: clinical testing. Allele origin: germline. Affected: yes. Study: VKGL Data-share Consensus. Not counted in ClinVar's aggregate classification.

Literature cited by the submitters: PubMed 32546644 (cited by Dasa); PubMed 15235020 (cited by 3 submitters); PubMed 16267036 (cited by 3 submitters); PubMed 20516115 (cited by 3 submitters); PubMed 20378548 (cited by 4 submitters); PubMed 21232165 (cited by Department of Pathology and Laboratory Medicine, Sinai Health System and Women's Health and Genetics/Laboratory Corporation of America, LabCorp); PubMed 20104584 (cited by Women's Health and Genetics/Laboratory Corporation of America, LabCorp); PubMed 25948282 (cited by Women's Health and Genetics/Laboratory Corporation of America, LabCorp); PubMed 25637381 (cited by Women's Health and Genetics/Laboratory Corporation of America, LabCorp); PubMed 17305420 (cited by Women's Health and Genetics/Laboratory Corporation of America, LabCorp); PubMed 17308087 (cited by Women's Health and Genetics/Laboratory Corporation of America, LabCorp and Counsyl); PubMed 26845104 (cited by Women's Health and Genetics/Laboratory Corporation of America, LabCorp); PubMed 21520273 (cited by Women's Health and Genetics/Laboratory Corporation of America, LabCorp and Counsyl); PubMed 15172985 (cited by Women's Health and Genetics/Laboratory Corporation of America, LabCorp and Counsyl); PubMed 15184261 (cited by Counsyl); PubMed 11157798 (cited by Counsyl); PubMed 21447777 (cited by Counsyl).